The following is an entry in ClinVar:

ClinVar aggregate classification (germline): Benign/Likely benign. Review status: criteria provided, multiple submitters, no conflicts (2 of 4 stars). 5 submissions from 5 submitters: Benign (1); Likely benign (2). 2 of the submissions do not count toward it. Last evaluated 2025-11-17.

Conditions:
Inborn genetic diseases. Identifiers: MedGen C0950123, MeSH D030342.
Kabuki syndrome 2 (KABUK2). Also called: KDM6A-Related Kabuki Syndrome. Identifiers: Orphanet 2322, MedGen C3275495, MONDO:0010465, OMIM 300867.
Intellectual disability. Also called: intellectual disabilities; Intellectual developmental disorder; Intellectual functioning disability. Identifiers: MedGen C3714756, MeSH D008607, MONDO:0001071, HP:0001249.
KDM6A-related disorder. Also called: KDM6A-related condition.

Allele frequency attached by ClinVar (database versions not stated): TOPMed 0.00004; ExAC 0.00005; ESP Exome Variant Server 0.00009; gnomAD 0.00004 and 0.00005; gnomAD exomes 0.00004 and 0.00005.
gnomAD v4.1: 64 of 1,208,874 alleles (0.0053%); highest among the groups gnomAD compares: Middle Eastern, 0.046%; no homozygotes.

Submissions (5):

Labcorp Genetics (formerly Invitae), Labcorp
Classification: Benign for Kabuki syndrome 2. Last evaluated: 2025-11-17. Review status: criteria provided, single submitter. Criteria: Invitae Variant Classification Sherloc (09022015). Collection method: clinical testing. Allele origin: germline.

Ambry Genetics
Classification: Likely benign for Inborn genetic diseases. Last evaluated: 2024-05-30. Review status: criteria provided, single submitter. Criteria: Ambry Variant Classification Scheme 2023. Collection method: clinical testing. Allele origin: germline.

GeneDx
Classification: Likely benign. Last evaluated: 2021-01-27. Review status: criteria provided, single submitter. Criteria: GeneDx Variant Classification Process June 2021. Collection method: clinical testing. Allele origin: germline. Affected: yes.
Comment: In silico analysis supports that this missense variant has a deleterious effect on protein structure/function; Has not been previously published as pathogenic or benign to our knowledge

PreventionGenetics, part of Exact Sciences
Classification: Likely benign for KDM6A-related condition. Last evaluated: 2022-09-07. Review status: no assertion criteria provided. Collection method: clinical testing. Allele origin: germline. Not counted in ClinVar's aggregate classification.
Comment: This variant is classified as likely benign based on ACMG/AMP sequence variant interpretation guidelines (Richards et al. 2015 PMID: 25741868, with internal and published modifications).

Centre de Biologie Pathologie Génétique, Centre Hospitalier Universitaire de Lille
Classification: Likely benign for Intellectual disability. Last evaluated: 2019-01-01. Review status: no assertion criteria provided. Collection method: clinical testing. Allele origin: inherited. Affected: yes. Not counted in ClinVar's aggregate classification.

NM_001291415.2(KDM6A):c.4135C>G (p.Pro1379Ala)

Gene: KDM6A (lysine demethylase 6A; plus strand). Cytogenetic location: Xp11.3.
Variant type: single nucleotide variant.
Coding change: c.4135C>G on transcript NM_001291415.2 (MANE Select); coding-DNA position 4135, C replaced by G.
Protein change: p.Pro1379Ala; replaces proline 1379 with alanine.
Molecular consequence: missense variant. On other transcripts: non-coding transcript variant (1).
Genome position (GRCh38, 1-based): chrX:45,107,510, C>G. VCF-style: chrX-45107510-C-G. GRCh37 (hg19) VCF-style: chrX-44966755-C-G.
Other names: c.3979C>G (NM_021140.2); c.4000C>G, p.Pro1334Ala (NM_001291416.2); c.3844C>G, p.Pro1282Ala (NM_001291417.2); c.3742C>G, p.Pro1248Ala (NM_001291418.2); c.3091C>G, p.Pro1031Ala (NM_001291421.2); c.3979C>G, p.Pro1327Ala (NM_021140.4); short protein forms P1031A, P1248A, P1282A, P1327A, P1334A, P1379A.
Identifiers: ClinVar variation 975570 (VCV000975570.12), dbSNP rs370883451, ClinGen allele CA10392787.